The following is an entry in ClinVar:

NM_006767.4(LZTR1):c.1882A>G (p.Ile628Val)

Gene: LZTR1 (leucine zipper like post translational regulator 1; plus strand). Cytogenetic location: 22q11.21.
Variant type: single nucleotide variant.
Coding change: c.1882A>G on transcript NM_006767.4 (MANE Select); coding-DNA position 1882, A replaced by G.
Protein change: p.Ile628Val; replaces isoleucine 628 with valine.
Molecular consequence: missense variant.
Genome position (GRCh38, 1-based): chr22:20,994,966, A>G. VCF-style: chr22-20994966-A-G. GRCh37 (hg19) VCF-style: chr22-21349255-A-G.
Other names: short protein forms I628V.
Identifiers: ClinVar variation 3238157 (VCV003238157.3), dbSNP rs2518622533.

ClinVar aggregate classification (germline): Uncertain significance. Review status: criteria provided, multiple submitters, no conflicts (2 of 4 stars). 2 submissions from 2 submitters: Uncertain significance (2). Last evaluated 2024-04-01.

Conditions:
Hereditary cancer-predisposing syndrome. Also called: Neoplastic Syndromes, Hereditary; Tumor predisposition; Hereditary neoplastic syndrome; Hereditary Cancer Syndrome. Identifiers: Orphanet 140162, MedGen C0027672, MeSH D009386, MONDO:0015356.
Cardiovascular phenotype. Identifiers: MedGen CN230736.

Allele frequency attached by ClinVar (database versions not stated): gnomAD exomes below 0.00001.
gnomAD v4.1: 4 of 1,613,188 alleles (0.00025%); highest among the groups gnomAD compares: Non-Finnish European, 0.00034%; no homozygotes.

Submissions (2):

Labcorp Genetics (formerly Invitae), Labcorp
Classification: Uncertain significance. Last evaluated: 2024-04-01. Review status: criteria provided, single submitter. Criteria: Invitae Variant Classification Sherloc (09022015). Collection method: clinical testing. Allele origin: germline.
Comment: This sequence change replaces isoleucine, which is neutral and non-polar, with valine, which is neutral and non-polar, at codon 628 of the LZTR1 protein (p.Ile628Val). This variant is not present in population databases (gnomAD no frequency). This variant has not been reported in the literature in individuals affected with LZTR1-related conditions. Advanced modeling of protein sequence and biophysical properties (such as structural, functional, and spatial information, amino acid conservation, physicochemical variation, residue mobility, and thermodynamic stability) performed at Invitae indicates that this missense variant is not expected to disrupt LZTR1 protein function with a negative predictive value of 80%. In summary, the available evidence is currently insufficient to determine the role of this variant in disease. Therefore, it has been classified as a Variant of Uncertain Significance.

Ambry Genetics
Classification: Uncertain significance for Cardiovascular phenotype; Hereditary cancer-predisposing syndrome. Last evaluated: 2023-04-14. Review status: criteria provided, single submitter. Criteria: Ambry Variant Classification Scheme 2023. Collection method: clinical testing. Allele origin: germline.
Comment: The p.I628V variant (also known as c.1882A>G), located in coding exon 16 of the LZTR1 gene, results from an A to G substitution at nucleotide position 1882. The isoleucine at codon 628 is replaced by valine, an amino acid with highly similar properties. This amino acid position is conserved. In addition, this alteration is predicted to be tolerated by in silico analysis. Since supporting evidence is limited at this time, the clinical significance of this alteration remains unclear.